The following is an entry in ClinVar:

NM_017763.6(RNF43):c.168C>A (p.Asp56Glu)

Gene: RNF43 (ring finger protein 43; minus strand). Cytogenetic location: 17q22.
Variant type: single nucleotide variant.
Coding change: c.168C>A on transcript NM_017763.6 (MANE Select); coding-DNA position 168, C replaced by A.
Protein change: p.Asp56Glu; replaces aspartic acid 56 with glutamic acid.
Molecular consequence: missense variant.
Genome position (GRCh38, 1-based): chr17:58,415,410, G>T on the plus strand (C>A on the coding strand, the complement: RNF43 is on the minus strand). VCF-style: chr17-58415410-G-T. GRCh37 (hg19) VCF-style: chr17-56492771-G-T.
Other names: c.168C>A, p.Asp56Glu (NM_001305544.3); short protein forms D56E.
Identifiers: ClinVar variation 3573919 (VCV003573919.2).

ClinVar aggregate classification (germline): Uncertain significance. Review status: criteria provided, multiple submitters, no conflicts (2 of 4 stars). 2 submissions from 2 submitters: Uncertain significance (2). Last evaluated 2025-09-17.

Submissions (2):

Ambry Genetics
Classification: Uncertain significance. Last evaluated: 2025-09-17. Review status: criteria provided, single submitter. Criteria: Ambry Variant Classification Scheme 2023. Collection method: clinical testing. Allele origin: germline.
Comment: The p.D56E variant (also known as c.168C>A), located in coding exon 1 of the RNF43 gene, results from a C to A substitution at nucleotide position 168. The aspartic acid at codon 56 is replaced by glutamic acid, an amino acid with highly similar properties. This amino acid position is conserved. In addition, this alteration is predicted to be tolerated by in silico analysis. Based on the available evidence, the clinical significance of this variant remains unclear.

GeneDx
Classification: Uncertain significance. Last evaluated: 2024-07-19. Review status: criteria provided, single submitter. Criteria: GeneDx Variant Classification Process June 2021. Collection method: clinical testing. Allele origin: germline. Affected: yes.
Comment: Not observed at significant frequency in large population cohorts (gnomAD); In silico analysis indicates that this missense variant does not alter protein structure/function; Has not been previously published as pathogenic or benign to our knowledge; Variants in candidate genes are classified as variants of uncertain significance in accordance with ACMG guidelines (PMID: 25741868)